The following is an entry in ClinVar:

ClinVar aggregate classification (germline): Uncertain significance (1 of 4 stars; one submission).

Submission:

Labcorp Genetics (formerly Invitae), Labcorp
Classification: Uncertain significance. Last evaluated: 2025-11-26. Review status: criteria provided, single submitter. Criteria: Invitae Variant Classification Sherloc (09022015). Collection method: clinical testing. Allele origin: germline.
Comment: This variant, c.236_238del, results in the deletion of 1 amino acid(s) of the SLC9A3 protein (p.Thr79del), but otherwise preserves the integrity of the reading frame. This variant is not present in population databases (gnomAD no frequency). This variant has not been reported in the literature in individuals affected with SLC9A3-related conditions. Experimental studies and prediction algorithms are not available or were not evaluated, and the functional significance of this variant is currently unknown. In summary, the available evidence is currently insufficient to determine the role of this variant in disease. Therefore, it has been classified as a Variant of Uncertain Significance.

NM_004174.4(SLC9A3):c.236_238del (p.Thr79del)

Gene: SLC9A3 (solute carrier family 9 member A3). Cytogenetic location: 5p15.33.
Variant type: Deletion.
Coding change: c.236_238del on transcript NM_004174.4 (MANE Select); coding-DNA positions 236 to 238, 3 bases deleted.
Protein change: p.Thr79del; deletes threonine 79.
Molecular consequence: inframe deletion.
Genome position: GRCh38 VCF-style: chr5-492044-CTGG-C. GRCh37 (hg19) VCF-style: chr5-492159-CTGG-C.
Other names: c.236_238del, p.Thr79del (NM_001284351.3); short protein forms T79del.
Identifiers: ClinVar variation 4732031 (VCV004732031.1).
Genomic context (GRCh38, chr5:492,044, plus strand): 5'-CAGACGATGCCGCCCAGCACCAGGCCCAGCACGATGAGCAGGGCGCTCTCGGGAACCACG[CTGG>C]TGACCTTGTGGGACAGGTGGAACCCTGTGGGGGAAGGGAGGGAGGTCAGGGCCGGGCTGT-3'